The following is an entry in ClinVar:

ClinVar aggregate classification (germline): Uncertain significance (1 of 4 stars; one submission).

Submission:

Labcorp Genetics (formerly Invitae), Labcorp
Classification: Uncertain significance. Last evaluated: 2024-08-08. Review status: criteria provided, single submitter. Criteria: Invitae Variant Classification Sherloc (09022015). Collection method: clinical testing. Allele origin: germline.
Comment: This sequence change replaces glycine, which is neutral and non-polar, with tryptophan, which is neutral and slightly polar, at codon 1615 of the ALPK3 protein (p.Gly1615Trp). This variant is not present in population databases (gnomAD no frequency). This variant has not been reported in the literature in individuals affected with ALPK3-related conditions. Advanced modeling of protein sequence and biophysical properties (such as structural, functional, and spatial information, amino acid conservation, physicochemical variation, residue mobility, and thermodynamic stability) performed at Invitae indicates that this missense variant is expected to disrupt ALPK3 protein function with a positive predictive value of 80%. In summary, the available evidence is currently insufficient to determine the role of this variant in disease. Therefore, it has been classified as a Variant of Uncertain Significance.

NM_020778.5(ALPK3):c.4237G>T (p.Gly1413Trp)

Gene: ALPK3 (alpha kinase 3; plus strand). Cytogenetic location: 15q25.3.
Variant type: single nucleotide variant.
Coding change: c.4237G>T on transcript NM_020778.5 (MANE Select); coding-DNA position 4237, G replaced by T.
Protein change: p.Gly1413Trp; replaces glycine 1413 with tryptophan.
Molecular consequence: missense variant.
Genome position (GRCh38, 1-based): chr15:84,862,742, G>T. VCF-style: chr15-84862742-G-T. GRCh37 (hg19) VCF-style: chr15-85405973-G-T.
Other names: short protein forms G1413W.
Identifiers: ClinVar variation 3661749 (VCV003661749.2).